The following is an entry in ClinVar:

ClinVar aggregate classification (germline): Uncertain significance (1 of 4 stars; one submission).

Allele frequency attached by ClinVar (database versions not stated): gnomAD exomes 0.00001; gnomAD 0.00003; TOPMed 0.00005; ExAC 0.00006; 1000 Genomes Project 30x 0.00016; 1000 Genomes Project 0.00020.
gnomAD v4.1: 14 of 1,588,270 alleles (0.00088%); highest among the groups gnomAD compares: East Asian, 0.021%; no homozygotes.

Submissions (2):

Labcorp Genetics (formerly Invitae), Labcorp
Classification: Uncertain significance. Last evaluated: 2024-10-29. Review status: criteria provided, single submitter. Criteria: Invitae Variant Classification Sherloc (09022015). Collection method: clinical testing. Allele origin: germline.
Comment: This sequence change affects a donor splice site in intron 3 of the IRF4 gene. It is expected to disrupt RNA splicing. Variants that disrupt the donor or acceptor splice site typically lead to a loss of protein function (PMID: 16199547), however the current clinical and genetic evidence is not sufficient to establish whether loss-of-function variants in IRF4 cause disease. This variant is present in population databases (rs200504236, gnomAD 0.06%), and has an allele count higher than expected for a pathogenic variant. This variant has not been reported in the literature in individuals affected with IRF4-related conditions. ClinVar contains an entry for this variant (Variation ID: 2975166). Algorithms developed to predict the effect of sequence changes on RNA splicing suggest that this variant may disrupt the consensus splice site. In summary, the available evidence is currently insufficient to determine the role of this variant in disease. Therefore, it has been classified as a Variant of Uncertain Significance.

Dr. Peter K. Rogan Lab, Western University
No classification provided (evidence only). Condition: Malignant tumor of urinary bladder. Review status: no classification provided. Collection method: in vitro. Allele origin: not applicable. Functional consequence: retained intron. Not counted in ClinVar's aggregate classification.

Literature cited by the submitters: PubMed 16199547 (cited by Labcorp Genetics (formerly Invitae), Labcorp).

NM_002460.4(IRF4):c.403+2T>C

Gene: IRF4 (interferon regulatory factor 4; plus strand). Cytogenetic location: 6p25.3.
Variant type: single nucleotide variant.
Coding change: c.403+2T>C on transcript NM_002460.4 (MANE Select); the canonical splice donor site of the intron after coding-DNA position 403, T replaced by C.
Molecular consequence: splice donor variant.
Genome position (GRCh38, 1-based): chr6:395,009, T>C. VCF-style: chr6-395009-T-C. GRCh37 (hg19) VCF-style: chr6-395009-T-C.
Other names: c.403+2T>C (NM_001195286.2).
Identifiers: ClinVar variation 2975166 (VCV002975166.4), dbSNP rs200504236, ClinGen allele CA3612668.